The following is an entry in ClinVar:

ClinVar aggregate classification (germline): Benign (1 of 4 stars; one submission).

Conditions:
Exostoses, multiple, type 2 (EXT2). Also called: Hereditary Multiple Osteochondromatosis, Type II; EXOSTOSES, MULTIPLE, TYPE II. Identifiers: Orphanet 321, MedGen C1851413, MONDO:0007586, OMIM 133701.

Allele frequency attached by ClinVar (database versions not stated): 1000 Genomes Project 0.00040; 1000 Genomes Project 30x 0.00047; TOPMed 0.00117; gnomAD exomes 0.00120; gnomAD 0.00125 and 0.00131.

Submission:

Illumina Laboratory Services, Illumina
Classification: Benign for Exostoses, multiple, type 2. Last evaluated: 2018-01-13. Review status: criteria provided, single submitter. Criteria: ICSL Variant Classification Criteria 13 December 2019. Collection method: clinical testing. Allele origin: germline.
Comment: This variant was observed in the ICSL laboratory as part of a predisposition screen in an ostensibly healthy population. It had not been previously curated by ICSL or reported in the Human Gene Mutation Database (HGMD: prior to June 1st, 2018), and was therefore a candidate for classification through an automated scoring system. Utilizing variant allele frequency, disease prevalence and penetrance estimates, and inheritance mode, an automated score was calculated to assess if this variant is too frequent to cause the disease. Based on the score and internal cut-off values, a variant classified as benign is not then subjected to further curation. The score for this variant resulted in a classification of benign for this disease.

NM_207122.2(EXT2):c.*646C>T

Gene: EXT2 (exostosin glycosyltransferase 2; plus strand). Cytogenetic location: 11p11.2.
Variant type: single nucleotide variant.
Coding change: c.*646C>T on transcript NM_207122.2 (MANE Select); 646 bases downstream of the stop codon, C replaced by T.
Molecular consequence: 3 prime UTR variant.
Genome position (GRCh38, 1-based): chr11:44,244,933, C>T. VCF-style: chr11-44244933-C-T. GRCh37 (hg19) VCF-style: chr11-44266483-C-T.
Other names: c.*646C>T (NM_000401.3, NM_001178083.3, NM_001389628.1 and 1 more transcripts).
Identifiers: ClinVar variation 304603 (VCV000304603.5), dbSNP rs189528648, ClinGen allele CA10638475.